The following is an entry in ClinVar:

ClinVar aggregate classification (germline): Likely benign (1 of 4 stars; one submission).

Allele frequency attached by ClinVar (database versions not stated): 1000 Genomes Project 0.00080; TOPMed 0.00253; gnomAD 0.00284; ExAC 0.00300; ESP Exome Variant Server 0.00331.
gnomAD v4.1: 7,447 of 1,614,158 alleles (0.46%); highest among the groups gnomAD compares: Non-Finnish European, 0.59%; 38 homozygotes.

Submission:

CeGaT Center for Human Genetics Tuebingen
Classification: Likely benign. Last evaluated: 2023-01-01. Review status: criteria provided, single submitter. Criteria: CeGaT Center For Human Genetics Tuebingen Variant Classification Criteria Version 2. Collection method: clinical testing. Allele origin: germline. Affected: yes. Observed: 1 variant allele.
Comment: OPN3: BS2

NM_014322.3(OPN3):c.533G>C (p.Arg178Thr)

Gene: OPN3 (opsin 3; minus strand). Cytogenetic location: 1q43.
Variant type: single nucleotide variant.
Coding change: c.533G>C on transcript NM_014322.3 (MANE Select); coding-DNA position 533, G replaced by C.
Protein change: p.Arg178Thr; replaces arginine 178 with threonine.
Molecular consequence: missense variant.
Genome position (GRCh38, 1-based): chr1:241,604,420, C>G on the plus strand (G>C on the coding strand, the complement: OPN3 is on the minus strand). VCF-style: chr1-241604420-C-G. GRCh37 (hg19) VCF-style: chr1-241767722-C-G.
Other names: short protein forms R178T.
Identifiers: ClinVar variation 2640208 (VCV002640208.24), dbSNP rs41304028, ClinGen allele CA1479471.
Genomic context (GRCh38, chr1:241,604,420, plus strand): 5'-TTGGCATCCTTGGATTTCCAGTCCACAGTGCAGCCTAGTCCGTGTACGTCCAGGATGTAC[C>G]TGTTCCATCCCAGGAGAGGTGCTCCTGCCCACGCCAGTGAGTAGAGCCAGATGTAGGTAA-3'
Protein context (NP_055137.2, residues 168-188): WAGAPLLGWN[Arg178Thr]YILDVHGLGC